The following is an entry in ClinVar:

ClinVar aggregate classification (germline): Uncertain significance (1 of 4 stars; one submission).

Conditions:
KMT5B-related disorder. Also called: KMT5B-related condition.

Submission:

PreventionGenetics, part of Exact Sciences
Classification: Uncertain significance for KMT5B-related condition. Last evaluated: 2025-05-14. Review status: criteria provided, single submitter. Criteria: ACMG Guidelines, 2015. Collection method: clinical testing. Allele origin: germline.
Comment: The KMT5B c.1844_1846delGAC variant is predicted to result in an in-frame deletion (p.Arg615del). To our knowledge, this variant has not been reported in the literature or in a large population database (gnomAD), indicating this variant is rare. At this time, the clinical significance of this variant is uncertain due to the absence of conclusive functional and genetic evidence.

NM_017635.5(KMT5B):c.1844_1846del (p.Arg615del)

Gene: KMT5B (lysine methyltransferase 5B; minus strand). Cytogenetic location: 11q13.2.
Variant type: Deletion.
Coding change: c.1844_1846del on transcript NM_017635.5 (MANE Select); coding-DNA positions 1844 to 1846, 3 bases deleted (GAC; older notation c.1844_1846delGAC).
Protein change: p.Arg615del; deletes arginine 615.
Molecular consequence: inframe deletion.
Genome position (GRCh38, 1-based): chr11:68,158,500-68,158,502, GTC deleted on the plus strand (GAC on the coding strand, the reverse complement: KMT5B is on the minus strand); deleting any 3 consecutive bases within chr11:68,158,500-68,158,504 gives the same sequence; the c. name uses the placement nearest the transcript's 3' end. VCF-style (leftmost placement, unchanged base first): chr11-68158499-TGTC-T. GRCh37 (hg19) VCF-style: chr11-67925966-TGTC-T.
Other names: c.1328_1330del, p.Arg443del (NM_001300907.1, NM_001369428.1, NM_001369429.1 and 4 more transcripts); c.1124_1126del, p.Arg375del (NM_001300908.2); c.1844_1846del, p.Arg615del (NM_001369426.1); short protein forms R375del, R443del, R615del.
Identifiers: ClinVar variation 5001269 (VCV005001269.1).